The following is an entry in ClinVar:

NM_005996.4(TBX3):c.49T>C (p.Tyr17His)

Genes: TBX3 (T-box transcription factor 3; minus strand), TBX3-AS1 (TBX3 antisense RNA 1; plus strand). Cytogenetic location: 12q24.21.
Variant type: single nucleotide variant.
Coding change: c.49T>C on transcript NM_005996.4 (MANE Select); coding-DNA position 49, T replaced by C.
Protein change: p.Tyr17His; replaces tyrosine 17 with histidine.
Molecular consequence: missense variant.
Genome position (GRCh38, 1-based): chr12:114,683,152, A>G on the plus strand (T>C on the coding strand, the complement: TBX3 is on the minus strand). VCF-style: chr12-114683152-A-G. GRCh37 (hg19) VCF-style: chr12-115120957-A-G.
Other names: c.49T>C, p.Tyr17His (NM_016569.4); short protein forms Y17H.
Identifiers: ClinVar variation 4994827 (VCV004994827.1).

ClinVar aggregate classification (germline): Uncertain significance (1 of 4 stars; one submission).

Conditions:
TBX3-related disorder. Also called: TBX3-related condition.

gnomAD v4.1: 2 of 1,612,544 alleles (0.00012%); highest among the groups gnomAD compares: Non-Finnish European, 0.00017%; no homozygotes.

Submission:

PreventionGenetics, part of Exact Sciences
Classification: Uncertain significance for TBX3-related condition. Last evaluated: 2026-05-12. Review status: criteria provided, single submitter. Criteria: ACMG Guidelines, 2015. Collection method: clinical testing. Allele origin: germline.
Comment: The TBX3 c.49T>C variant is predicted to result in the amino acid substitution p.Tyr17His. To our knowledge, this variant has not been reported in the literature or in a large population database (gnomAD), indicating this variant is rare. At this time, the clinical significance of this variant is uncertain due to the absence of conclusive functional and genetic evidence.